The following is an entry in ClinVar:

NM_015046.7(SETX):c.934A>G (p.Ile312Val)

Gene: SETX (senataxin; minus strand). Cytogenetic location: 9q34.13.
Variant type: single nucleotide variant.
Coding change: c.934A>G on transcript NM_015046.7 (MANE Select); coding-DNA position 934, A replaced by G.
Protein change: p.Ile312Val; replaces isoleucine 312 with valine.
Molecular consequence: missense variant.
Genome position (GRCh38, 1-based): chr9:132,331,353, T>C on the plus strand (A>G on the coding strand, the complement: SETX is on the minus strand). VCF-style: chr9-132331353-T-C. GRCh37 (hg19) VCF-style: chr9-135206740-T-C.
Other names: c.934A>G, p.Ile312Val (NM_001351527.2, NM_001351528.2); short protein forms I312V.
Identifiers: ClinVar variation 4989585 (VCV004989585.1).

ClinVar aggregate classification (germline): Uncertain significance (1 of 4 stars; one submission).

Conditions:
SETX-related disorder. Also called: SETX-related disorders; SETX-related condition. Identifiers: MedGen CN239403.

gnomAD v4.1: 9 of 1,614,032 alleles (0.00056%); highest among the groups gnomAD compares: East Asian, 0.0022%; no homozygotes.

Submission:

PreventionGenetics, part of Exact Sciences
Classification: Uncertain significance for SETX-related condition. Last evaluated: 2026-06-22. Review status: criteria provided, single submitter. Criteria: ACMG Guidelines, 2015. Collection method: clinical testing. Allele origin: germline.
Comment: The SETX c.934A>G variant is predicted to result in the amino acid substitution p.Ile312Val. This variant has been reported in an individual with amyotrophic lateral sclerosis (Pensato et al. 2020. PubMed ID: 32028661). This variant is reported in 0.00088% of alleles in individuals of European (non-Finnish) descent in gnomAD. At this time, the clinical significance of this variant is uncertain due to the absence of conclusive functional and genetic evidence.